The following is an entry in ClinVar:

NM_000815.5(GABRD):c.1310C>T (p.Ala437Val)

Gene: GABRD (gamma-aminobutyric acid type A receptor subunit delta; plus strand). Cytogenetic location: 1p36.33.
Variant type: single nucleotide variant.
Coding change: c.1310C>T on transcript NM_000815.5 (MANE Select); coding-DNA position 1310, C replaced by T.
Protein change: p.Ala437Val; replaces alanine 437 with valine.
Molecular consequence: missense variant.
Genome position (GRCh38, 1-based): chr1:2,030,233, C>T. VCF-style: chr1-2030233-C-T. GRCh37 (hg19) VCF-style: chr1-1961672-C-T.
Other names: c.1310C>T (NM_000815.4); short protein forms A437V.
Identifiers: ClinVar variation 2061345 (VCV002061345.6), dbSNP rs200862446, ClinGen allele CA534971.

ClinVar aggregate classification (germline): Uncertain significance. Review status: criteria provided, multiple submitters, no conflicts (2 of 4 stars). 3 submissions from 3 submitters: Uncertain significance (3). Last evaluated 2026-08-01.

Conditions:
Inborn genetic diseases. Identifiers: MedGen C0950123, MeSH D030342.
Idiopathic generalized epilepsy. Also called: EIG; Generalised epilepsy. Identifiers: MedGen C0270850, MONDO:0005579, OMIM 600669.

Allele frequency attached by ClinVar (database versions not stated): ExAC 0.00002; gnomAD exomes 0.00002; TOPMed 0.00002; gnomAD 0.00001.
gnomAD v4.1: 26 of 1,563,806 alleles (0.0017%); highest among the groups gnomAD compares: Middle Eastern, 0.034%; no homozygotes.

Submissions (3):

CeGaT Center for Human Genetics Tuebingen
Classification: Uncertain significance. Last evaluated: 2026-08-01. Review status: criteria provided, single submitter. Criteria: CeGaT Center For Human Genetics Tuebingen Variant Classification Criteria Version 2. Collection method: clinical testing. Allele origin: germline. Affected: yes. Observed: 1 variant allele.

Ambry Genetics
Classification: Uncertain significance for Inborn genetic diseases. Last evaluated: 2025-05-16. Review status: criteria provided, single submitter. Criteria: Ambry Variant Classification Scheme 2023. Collection method: clinical testing. Allele origin: germline.

Labcorp Genetics (formerly Invitae), Labcorp
Classification: Uncertain significance for Idiopathic generalized epilepsy. Last evaluated: 2023-10-09. Review status: criteria provided, single submitter. Criteria: Invitae Variant Classification Sherloc (09022015). Collection method: clinical testing. Allele origin: germline.
Comment: This sequence change replaces alanine, which is neutral and non-polar, with valine, which is neutral and non-polar, at codon 437 of the GABRD protein (p.Ala437Val). The frequency data for this variant in the population databases is considered unreliable, as metrics indicate poor data quality at this position in the gnomAD database. This variant has not been reported in the literature in individuals affected with GABRD-related conditions. ClinVar contains an entry for this variant (Variation ID: 2061345). An algorithm developed to predict the effect of missense changes on protein structure and function (PolyPhen-2) suggests that this variant is likely to be disruptive. In summary, the available evidence is currently insufficient to determine the role of this variant in disease. Therefore, it has been classified as a Variant of Uncertain Significance.